The following is an entry in ClinVar:

ClinVar aggregate classification (germline): Pathogenic (1 of 4 stars; one submission).

Submission:

CeGaT Center for Human Genetics Tuebingen
Classification: Pathogenic. Last evaluated: 2024-09-01. Review status: criteria provided, single submitter. Criteria: CeGaT Center For Human Genetics Tuebingen Variant Classification Criteria Version 2. Collection method: clinical testing. Allele origin: germline. Affected: yes. Observed: 1 variant allele.
Comment: GNAL: PVS1, PM2

NM_182978.4(GNAL):c.462_463del (p.Lys155fs)

Gene: GNAL (G protein subunit alpha L; plus strand). Cytogenetic location: 18p11.21.
Variant type: Deletion.
Coding change: c.462_463del on transcript NM_182978.4 (MANE Select); coding-DNA positions 462 to 463, 2 bases deleted (GA; older notation c.462_463delGA).
Protein change: p.Lys155fs; shifts the reading frame from lysine 155.
Molecular consequence: frameshift variant.
Genome position (GRCh38, 1-based): chr18:11,753,640-11,753,641, GA deleted; deleting any 2 consecutive bases within chr18:11,753,639-11,753,641 gives the same sequence; the c. name uses the placement nearest the transcript's 3' end. VCF-style (leftmost placement, unchanged base first): chr18-11753638-CAG-C. GRCh37 (hg19) VCF-style: chr18-11753637-CAG-C.
Other names: c.231_232del, p.Lys78fs (NM_001142339.3, NM_001261443.2, NM_001369387.1); short protein forms K78fs, K155fs.
Identifiers: ClinVar variation 374434 (VCV000374434.43), dbSNP rs1057519098, ClinGen allele CA16043733.